The following is an entry in ClinVar:

NM_001312909.2(FAM111A):c.689G>C (p.Arg230Thr)

Gene: FAM111A (FAM111 trypsin like peptidase A; plus strand). Cytogenetic location: 11q12.1.
Variant type: single nucleotide variant.
Coding change: c.689G>C on transcript NM_001312909.2 (MANE Select); coding-DNA position 689, G replaced by C.
Protein change: p.Arg230Thr; replaces arginine 230 with threonine.
Molecular consequence: missense variant.
Genome position (GRCh38, 1-based): chr11:59,152,357, G>C. VCF-style: chr11-59152357-G-C. GRCh37 (hg19) VCF-style: chr11-58919830-G-C.
Other names: c.689G>C, p.Arg230Thr (NM_001142519.3, NM_001142520.3, NM_001142521.3 and 29 more transcripts); short protein forms R230T.
Identifiers: ClinVar variation 3694395 (VCV003694395.2).
Genomic context (GRCh38, chr11:59,152,357, plus strand): 5'-AACTCTGTGTTTATGCTTTCAAAGGAGAAACCATCAAGGATGCACTGTGCAAGGATGGCA[G>C]ATTTCTTTCCTTTCTGGAGAATGATGATTGGAAACTCATTGAAAACAATGACACCATTTT-3'
Protein context (NP_001299838.1, residues 220-240): TIKDALCKDG[Arg230Thr]FLSFLENDDW

ClinVar aggregate classification (germline): Uncertain significance (1 of 4 stars; one submission).

Submission:

Labcorp Genetics (formerly Invitae), Labcorp
Classification: Uncertain significance. Last evaluated: 2024-03-13. Review status: criteria provided, single submitter. Criteria: Invitae Variant Classification Sherloc (09022015). Collection method: clinical testing. Allele origin: germline.
Comment: This sequence change replaces arginine, which is basic and polar, with threonine, which is neutral and polar, at codon 230 of the FAM111A protein (p.Arg230Thr). This variant is not present in population databases (gnomAD no frequency). This variant has not been reported in the literature in individuals affected with FAM111A-related conditions. Advanced modeling of protein sequence and biophysical properties (such as structural, functional, and spatial information, amino acid conservation, physicochemical variation, residue mobility, and thermodynamic stability) performed at Invitae indicates that this missense variant is expected to disrupt FAM111A protein function with a positive predictive value of 80%. In summary, the available evidence is currently insufficient to determine the role of this variant in disease. Therefore, it has been classified as a Variant of Uncertain Significance.